The following is an entry in ClinVar:

NM_005477.3(HCN4):c.3495_3498del (p.Ser1166fs)

Gene: HCN4 (hyperpolarization activated cyclic nucleotide gated potassium channel 4; minus strand). Cytogenetic location: 15q24.1.
Variant type: Deletion.
Coding change: c.3495_3498del on transcript NM_005477.3 (MANE Select); coding-DNA positions 3495 to 3498, 4 bases deleted (GTCT; older notation c.3495_3498delGTCT).
Protein change: p.Ser1166fs; shifts the reading frame from serine 1166.
Molecular consequence: frameshift variant.
Genome position (GRCh38, 1-based): chr15:73,322,595-73,322,598, AGAC deleted on the plus strand (GTCT on the coding strand, the reverse complement: HCN4 is on the minus strand); deleting any 4 consecutive bases within chr15:73,322,595-73,322,601 gives the same sequence; the c. name uses the placement nearest the transcript's 3' end. VCF-style (leftmost placement, unchanged base first): chr15-73322594-AAGAC-A. GRCh37 (hg19) VCF-style: chr15-73614935-AAGAC-A.
Other names: c.3495_3498delGTCT (NM_005477.2); short protein forms S1166fs.
Identifiers: ClinVar variation 1368247 (VCV001368247.8), dbSNP rs2151213747, ClinGen allele CA2573151172.

ClinVar aggregate classification (germline): Uncertain significance. Review status: criteria provided, multiple submitters, no conflicts (2 of 4 stars). 3 submissions from 3 submitters: Uncertain significance (3). Last evaluated 2025-07-22.

Conditions:
Sick sinus syndrome 2, autosomal dominant (SSS2). Also called: ATRIAL FIBRILLATION WITH BRADYARRHYTHMIA; SICK SINUS SYNDROME 2; SICK SINUS SYNDROME 2 WITH OR WITHOUT CARDIAC NONCOMPACTION AND/OR ASCENDING AORTA DILATION; SINUS BRADYCARDIA SYNDROME, FAMILIAL, AUTOSOMAL DOMINANT; SINUS NODE DISEASE, FAMILIAL, AUTOSOMAL DOMINANT. Identifiers: Orphanet 166282, MedGen C1834144, MONDO:0008102, OMIM 163800.
Brugada syndrome 8 (BRGDA8). Identifiers: Orphanet 130, MedGen C2751083, MONDO:0013148, OMIM 613123.
Epilepsy, idiopathic generalized, susceptibility to, 18. Identifiers: MedGen C5561983, MONDO:0030434, OMIM 619521.
Cardiovascular phenotype. Identifiers: MedGen CN230736.

Submissions (3):

Ambry Genetics
Classification: Uncertain significance for Cardiovascular phenotype. Last evaluated: 2025-07-22. Review status: criteria provided, single submitter. Criteria: Ambry Variant Classification Scheme 2023. Collection method: clinical testing. Allele origin: germline.
Comment: The c.3495_3498delGTCT variant, located in coding exon 8 of the HCN4 gene, results from a deletion of 4 nucleotides at nucleotide positions 3495 to 3498, causing a translational frameshift with a predicted alternate stop codon (p.S1166Cfs*14). This alteration is expected to result in protein truncation or nonsense-mediated mRNA decay. However, loss of function of HCN4 has not been established as a mechanism of disease. Based on the available evidence, the clinical significance of this alteration remains unclear.

Labcorp Genetics (formerly Invitae), Labcorp
Classification: Uncertain significance for Brugada syndrome 8. Last evaluated: 2023-04-22. Review status: criteria provided, single submitter. Criteria: Invitae Variant Classification Sherloc (09022015). Collection method: clinical testing. Allele origin: germline.
Comment: ClinVar contains an entry for this variant (Variation ID: 1368247). In summary, the available evidence is currently insufficient to determine the role of this variant in disease. Therefore, it has been classified as a Variant of Uncertain Significance. Experimental studies and prediction algorithms are not available or were not evaluated, and the functional significance of this variant is currently unknown. This variant has not been reported in the literature in individuals affected with HCN4-related conditions. This variant is not present in population databases (gnomAD no frequency). This sequence change creates a premature translational stop signal (p.Ser1166Cysfs*14) in the HCN4 gene. While this is not anticipated to result in nonsense mediated decay, it is expected to disrupt the last 38 amino acid(s) of the HCN4 protein.

Fulgent Genetics
Classification: Uncertain significance for Sick sinus syndrome 2, autosomal dominant; Brugada syndrome 8; Epilepsy, idiopathic generalized, susceptibility to, 18. Last evaluated: 2021-07-13. Review status: criteria provided, single submitter. Criteria: ACMG Guidelines, 2015. Collection method: clinical testing. Allele origin: unknown.